The following is an entry in ClinVar:

ClinVar aggregate classification (germline): Likely benign. Review status: criteria provided, multiple submitters, no conflicts (2 of 4 stars). 4 submissions from 4 submitters: Likely benign (4). Last evaluated 2023-12-01.

Conditions:
Ehlers-Danlos syndrome, type 4 (EDSVASC). Also called: Ehlers-Danlos syndrome vascular type; Ehlers Danlos syndrome, ecchymotic type; Ehlers Danlos syndrome, arterial type; Ehlers Danlos syndrome, Sack-Barabas type; Ehlers-Danlos Syndrome Type IV. Identifiers: Orphanet 286, MedGen C0268338, MONDO:0017314, OMIM 130050.
Familial thoracic aortic aneurysm and aortic dissection (TAAD). Also called: Thoracic aortic aneurysms and dissections. Identifiers: Orphanet 91387, MedGen C4707243, MONDO:0019625.

Allele frequency attached by ClinVar (database versions not stated): gnomAD exomes below 0.00001; gnomAD 0.00001; TOPMed 0.00001.
gnomAD v4.1: 3 of 1,613,750 alleles (0.00019%); highest among the groups gnomAD compares: African/African-American, 0.004%; no homozygotes.

Submissions (4):

All of Us Research Program, National Institutes of Health
Classification: Likely benign for Ehlers-Danlos syndrome, type 4. Last evaluated: 2023-12-01. Review status: criteria provided, single submitter. Criteria: ACMG Guidelines, 2015. Collection method: clinical testing. Allele origin: germline. Inheritance: Autosomal dominant inheritance. Observed: 2 variant alleles, 2 heterozygotes.
Comment: This study involves interpretation of variants in research participants for the purpose of population health screening. Participant phenotype was not available at the time of variant classification. Additional details can be found in publication PMID: 35346344, PMCID: PMC8962531

Color Diagnostics, LLC DBA Color Health
Classification: Likely benign for Familial thoracic aortic aneurysm and aortic dissection. Last evaluated: 2023-08-02. Review status: criteria provided, single submitter. Criteria: ACMG Guidelines, 2015. Collection method: clinical testing. Allele origin: germline.

Ambry Genetics
Classification: Likely benign for Familial thoracic aortic aneurysm and aortic dissection. Last evaluated: 2022-12-23. Review status: criteria provided, single submitter. Criteria: Ambry Variant Classification Scheme 2023. Collection method: clinical testing. Allele origin: germline.

Labcorp Genetics (formerly Invitae), Labcorp
Classification: Likely benign for Ehlers-Danlos syndrome, type 4. Last evaluated: 2020-11-19. Review status: criteria provided, single submitter. Criteria: Invitae Variant Classification Sherloc (09022015). Collection method: clinical testing. Allele origin: germline.

NM_000090.4(COL3A1):c.1893C>T (p.Asp631=)

Gene: COL3A1 (collagen type III alpha 1 chain; plus strand). Cytogenetic location: 2q32.2.
Variant type: single nucleotide variant.
Coding change: c.1893C>T on transcript NM_000090.4 (MANE Select); coding-DNA position 1893, C replaced by T.
Protein change: p.Asp631=; no amino-acid change (aspartic acid 631 retained).
Molecular consequence: synonymous variant.
Genome position (GRCh38, 1-based): chr2:188,997,723, C>T. VCF-style: chr2-188997723-C-T. GRCh37 (hg19) VCF-style: chr2-189862449-C-T.
Other names: c.1893C>T (NM_000090.3).
Identifiers: ClinVar variation 1529752 (VCV001529752.7), dbSNP rs1171472504, ClinGen allele CA430309979.